The following is an entry in ClinVar:

NM_000492.4(CFTR):c.2623G>A (p.Ala875Thr)

Gene: CFTR (CF transmembrane conductance regulator; plus strand). Cytogenetic location: 7q31.2.
Variant type: single nucleotide variant.
Coding change: c.2623G>A on transcript NM_000492.4 (MANE Select); coding-DNA position 2623, G replaced by A.
Protein change: p.Ala875Thr; replaces alanine 875 with threonine.
Molecular consequence: missense variant.
Genome position (GRCh38, 1-based): chr7:117,602,829, G>A. VCF-style: chr7-117602829-G-A. GRCh37 (hg19) VCF-style: chr7-117242883-G-A.
Other names: short protein forms A875T.
Identifiers: ClinVar variation 3231865 (VCV003231865.1), dbSNP rs2485121051, ClinGen allele CA368985885.

ClinVar aggregate classification (germline): Uncertain significance (1 of 4 stars; one submission).

Conditions:
Cystic fibrosis (CF). Also called: MUCOVISCIDOSIS. Identifiers: Orphanet 586, MedGen C0010674, MONDO:0009061, OMIM 219700. Disease mechanism: loss of function.

Submission:

Ambry Genetics
Classification: Uncertain significance for Cystic fibrosis. Last evaluated: 2024-02-26. Review status: criteria provided, single submitter. Criteria: Ambry Variant Classification Scheme 2023. Collection method: clinical testing. Allele origin: germline.
Comment: The p.A875T variant (also known as c.2623G>A), located in coding exon 16 of the CFTR gene, results from a G to A substitution at nucleotide position 2623. The alanine at codon 875 is replaced by threonine, an amino acid with similar properties. This amino acid position is conserved. In addition, the in silico prediction for this alteration is inconclusive. Based on the available evidence, the clinical significance of this alteration remains unclear.